The following is an entry in ClinVar:

NM_001384140.1(PCDH15):c.3917G>A (p.Cys1306Tyr)

Gene: PCDH15 (protocadherin related 15; minus strand). Cytogenetic location: 10q21.1.
Variant type: single nucleotide variant.
Coding change: c.3917G>A on transcript NM_001384140.1 (MANE Select); coding-DNA position 3917, G replaced by A.
Protein change: p.Cys1306Tyr; replaces cysteine 1306 with tyrosine.
Molecular consequence: missense variant.
Genome position (GRCh38, 1-based): chr10:53,840,386, C>T on the plus strand (G>A on the coding strand, the complement: PCDH15 is on the minus strand). VCF-style: chr10-53840386-C-T. GRCh37 (hg19) VCF-style: chr10-55600146-C-T.
Other names: c.3932G>A, p.Cys1311Tyr (NM_001142763.2, NM_001142771.2); c.3917G>A, p.Cys1306Tyr (NM_001142764.2, NM_001142766.2, NM_001142770.3 and 4 more transcripts); c.3704G>A, p.Cys1235Tyr (NM_001142765.2); c.3806G>A, p.Cys1269Tyr (NM_001142767.2); c.3851G>A, p.Cys1284Tyr (NM_001142768.2, NM_001142773.2, NM_001354404.2); c.3953G>A, p.Cys1318Tyr (NM_001142769.4); c.3938G>A, p.Cys1313Tyr (NM_001354411.2); short protein forms C1235Y, C1269Y, C1284Y, C1306Y, C1311Y, C1313Y, C1318Y.
Identifiers: ClinVar variation 1303921 (VCV001303921.2), dbSNP rs2132761276, ClinGen allele CA376528793.

ClinVar aggregate classification (germline): Uncertain significance (1 of 4 stars; one submission).

Allele frequency attached by ClinVar (database versions not stated): gnomAD exomes 0.00001.
gnomAD v4.1: 4 of 1,614,138 alleles (0.00025%); highest among the groups gnomAD compares: South Asian, 0.0033%; no homozygotes.

Submission:

GeneDx
Classification: Uncertain significance. Last evaluated: 2019-08-17. Review status: criteria provided, single submitter. Criteria: GeneDx Variant Classification Process June 2021. Collection method: clinical testing. Allele origin: germline. Affected: yes.
Comment: Not observed in large population cohorts (Lek et al., 2016); In silico analysis, which includes protein predictors and evolutionary conservation, supports a deleterious effect; Has not been previously published as pathogenic or benign to our knowledge